The following is an entry in ClinVar:

NM_001040108.2(MLH3):c.864G>A (p.Arg288=)

Gene: MLH3 (mutL homolog 3; minus strand). Cytogenetic location: 14q24.3.
Variant type: single nucleotide variant.
Coding change: c.864G>A on transcript NM_001040108.2 (MANE Select); coding-DNA position 864, G replaced by A.
Protein change: p.Arg288=; no amino-acid change (arginine 288 retained).
Molecular consequence: synonymous variant.
Genome position (GRCh38, 1-based): chr14:75,048,792, C>T on the plus strand (G>A on the coding strand, the complement: MLH3 is on the minus strand). VCF-style: chr14-75048792-C-T. GRCh37 (hg19) VCF-style: chr14-75515495-C-T.
Other names: c.864G>A, p.Arg288= (NM_014381.3).
Identifiers: ClinVar variation 1764178 (VCV001764178.3), dbSNP rs552320092, ClinGen allele CA7275957.
Genomic context (GRCh38, chr14:75,048,792, plus strand): 5'-AATTACATATATGCCATAGAGTTCTGGGGTAGACCGGTGCCGAAGACTTGAATTCATTTG[C>T]CTACTGGTGGGACCATTCTTTGGCTTGCATATAATACTTTCTTTCCTTAATAAAAAGTCA-3'
Protein context (NP_001035197.1, residues 278-298): ICKPKNGPTS[Arg288=]QMNSSLRHRS

ClinVar aggregate classification (germline): Benign/Likely benign. Review status: criteria provided, multiple submitters, no conflicts (2 of 4 stars). 2 submissions from 2 submitters: Benign (1); Likely benign (1). Last evaluated 2026-09-14.

Conditions:
Colorectal cancer, hereditary nonpolyposis, type 7. Identifiers: Orphanet 144, MedGen C1858380, MONDO:0013725, OMIM 614385.

Allele frequency attached by ClinVar (database versions not stated): TOPMed below 0.00001.
gnomAD v4.1: 3 of 1,614,074 alleles (0.00019%); highest among the groups gnomAD compares: Non-Finnish European, 0.00025%; no homozygotes.

Submissions (2):

Myriad Genetics, Inc.
Classification: Benign for Colorectal cancer, hereditary nonpolyposis, type 7. Last evaluated: 2026-09-14. Review status: criteria provided, single submitter. Criteria: Myriad Autosomal Dominant, Autosomal Recessive and X-Linked Classification Criteria (2023). Collection method: clinical testing. Allele origin: unknown.
Comment: This variant is considered benign. This variant is a silent/synonymous amino acid change and it is not expected to impact splicing.

Ambry Genetics
Classification: Likely benign. Last evaluated: 2022-08-12. Review status: criteria provided, single submitter. Criteria: Ambry Variant Classification Scheme 2023. Collection method: clinical testing. Allele origin: germline.